The following is an entry in ClinVar:

NM_006182.4(DDR2):c.772G>A (p.Gly258Ser)

Gene: DDR2 (discoidin domain receptor tyrosine kinase 2; plus strand). Cytogenetic location: 1q23.3.
Variant type: single nucleotide variant.
Coding change: c.772G>A on transcript NM_006182.4 (MANE Select); coding-DNA position 772, G replaced by A.
Protein change: p.Gly258Ser; replaces glycine 258 with serine.
Molecular consequence: missense variant.
Genome position (GRCh38, 1-based): chr1:162,759,896, G>A. VCF-style: chr1-162759896-G-A. GRCh37 (hg19) VCF-style: chr1-162729686-G-A.
Other names: c.772G>A, p.Gly258Ser (NM_001014796.3, NM_001354982.2, NM_001354983.2); short protein forms G258S.
Identifiers: ClinVar variation 2016269 (VCV002016269.4), dbSNP rs1362443005, ClinGen allele CA343408479.

ClinVar aggregate classification (germline): Uncertain significance (1 of 4 stars; one submission).

Submission:

Labcorp Genetics (formerly Invitae), Labcorp
Classification: Uncertain significance. Last evaluated: 2023-07-17. Review status: criteria provided, single submitter. Criteria: Invitae Variant Classification Sherloc (09022015). Collection method: clinical testing. Allele origin: germline.
Comment: In summary, the available evidence is currently insufficient to determine the role of this variant in disease. Therefore, it has been classified as a Variant of Uncertain Significance. An algorithm developed to predict the effect of missense changes on protein structure and function (PolyPhen-2) suggests that this variant is likely to be disruptive. ClinVar contains an entry for this variant (Variation ID: 2016269). This variant has not been reported in the literature in individuals affected with DDR2-related conditions. This variant is not present in population databases (gnomAD no frequency). This sequence change replaces glycine, which is neutral and non-polar, with serine, which is neutral and polar, at codon 258 of the DDR2 protein (p.Gly258Ser).